The following is an entry in ClinVar:

ClinVar aggregate classification (germline): Conflicting classifications of pathogenicity. Review status: criteria provided, conflicting classifications (1 of 4 stars). 6 submissions from 6 submitters: Uncertain significance (1); Benign (3); Likely benign (2). Last evaluated 2025-12-16.

Conditions:
Bethlem myopathy 1A. Also called: MYOPATHY, BENIGN CONGENITAL, WITH CONTRACTURES; Bethlem myopathy 1; Bethlem Muscular Dystrophy. Identifiers: Orphanet 610, MedGen CN029274, MONDO:0024530, OMIM 158810.
Collagen 6-related myopathy. Identifiers: MedGen CN117976, MONDO:0100225.

Allele frequency attached by ClinVar (database versions not stated): gnomAD 0.00046 and 0.00049; TOPMed 0.00054; ExAC 0.00069; gnomAD exomes 0.00079 and 0.00032; 1000 Genomes Project 30x 0.00125; 1000 Genomes Project 0.00140; ESP Exome Variant Server 0.00015.
gnomAD v4.1: 582 of 1,612,802 alleles (0.036%); highest among the groups gnomAD compares: East Asian, 0.58%; 3 homozygotes.

Submissions (6):

Labcorp Genetics (formerly Invitae), Labcorp
Classification: Likely benign for Bethlem myopathy 1A. Last evaluated: 2025-12-16. Review status: criteria provided, single submitter. Criteria: Invitae Variant Classification Sherloc (09022015). Collection method: clinical testing. Allele origin: germline.

Blueprint Genetics
Classification: Benign. Last evaluated: 2023-11-30. Review status: criteria provided, single submitter. Criteria: ACMG Guidelines, 2015. Collection method: clinical testing. Allele origin: germline.

ARUP Laboratories, Molecular Genetics and Genomics, ARUP Laboratories
Classification: Uncertain significance. Last evaluated: 2021-09-03. Review status: criteria provided, single submitter. Criteria: ARUP Molecular Germline Variant Investigation Process 2021. Collection method: clinical testing. Allele origin: germline.

Illumina Laboratory Services, Illumina
Classification: Benign for Collagen VI-related myopathy. Last evaluated: 2018-01-12. Review status: criteria provided, single submitter. Criteria: ICSL Variant Classification Criteria 13 December 2019. Collection method: clinical testing. Allele origin: germline.
Comment: This variant was observed in the ICSL laboratory as part of a predisposition screen in an ostensibly healthy population. It had not been previously curated by ICSL or reported in the Human Gene Mutation Database (HGMD: prior to June 1st, 2018), and was therefore a candidate for classification through an automated scoring system. Utilizing variant allele frequency, disease prevalence and penetrance estimates, and inheritance mode, an automated score was calculated to assess if this variant is too frequent to cause the disease. Based on the score and internal cut-off values, a variant classified as benign is not then subjected to further curation. The score for this variant resulted in a classification of benign for this disease.

GeneDx
Classification: Likely benign. Last evaluated: 2017-06-09. Review status: criteria provided, single submitter. Criteria: GeneDx Variant Classification (06012015). Collection method: clinical testing. Allele origin: germline. Affected: yes.
Comment: This variant is considered likely benign or benign based on one or more of the following criteria: it is a conservative change, it occurs at a poorly conserved position in the protein, it is predicted to be benign by multiple in silico algorithms, and/or has population frequency not consistent with disease.

Eurofins Ntd Llc (ga)
Classification: Benign. Last evaluated: 2016-10-28. Review status: criteria provided, single submitter. Criteria: EGL Classification Definitions 2015. Collection method: clinical testing. Allele origin: germline. Observed: 1 variant allele, 1 heterozygote.

NM_001849.4(COL6A2):c.1706G>A (p.Arg569Gln)

Gene: COL6A2 (collagen type VI alpha 2 chain; plus strand). Cytogenetic location: 21q22.3.
Variant type: single nucleotide variant.
Coding change: c.1706G>A on transcript NM_001849.4 (MANE Select); coding-DNA position 1706, G replaced by A.
Protein change: p.Arg569Gln; replaces arginine 569 with glutamine.
Molecular consequence: missense variant.
Genome position (GRCh38, 1-based): chr21:46,124,685, G>A. VCF-style: chr21-46124685-G-A. GRCh37 (hg19) VCF-style: chr21-47544599-G-A.
Other names: c.1706G>A, p.Arg569Gln (NM_058174.3, NM_058175.3); short protein forms R569Q.
Identifiers: ClinVar variation 340369 (VCV000340369.26), dbSNP rs147158850, ClinGen allele CA10072124.